The following is an entry in ClinVar:

NM_000018.4(ACADVL):c.553G>A (p.Gly185Ser)

Gene: ACADVL (acyl-CoA dehydrogenase very long chain; plus strand). Cytogenetic location: 17p13.1.
Variant type: single nucleotide variant.
Coding change: c.553G>A on transcript NM_000018.4 (MANE Select); coding-DNA position 553, G replaced by A.
Protein change: p.Gly185Ser; replaces glycine 185 with serine.
Molecular consequence: missense variant.
Genome position (GRCh38, 1-based): chr17:7,221,613, G>A. VCF-style: chr17-7221613-G-A. GRCh37 (hg19) VCF-style: chr17-7124932-G-A.
Other names: p.G185S:GGT>AGT; NM_000018.4(ACADVL):c.553G>A; c.487G>A, p.Gly163Ser (NM_001033859.3); c.622G>A, p.Gly208Ser (NM_001270447.2); c.325G>A, p.Gly109Ser (NM_001270448.2); short protein forms G185S, G163S, G109S, G208S.
Identifiers: ClinVar variation 203595 (VCV000203595.82), dbSNP rs545215807, ClinGen allele CA312291.

ClinVar aggregate classification (germline): Likely pathogenic. Review status: reviewed by expert panel (3 of 4 stars). 14 submissions from 14 submitters: Likely pathogenic (1). 13 of the submissions do not count toward it. Last evaluated 2022-12-14.

Conditions:
ACADVL-related disorder. Also called: ACADVL-related condition.
Very long chain acyl-CoA dehydrogenase deficiency (ACADVLD). Also called: VLCAD Deficiency; Very Long-Chain Acyl-Coenzyme A Dehydrogenase Deficiency. Identifiers: Orphanet 26793, MedGen C3887523, MONDO:0008723, OMIM 201475.

Allele frequency attached by ClinVar (database versions not stated): gnomAD 0.00001; TOPMed 0.00001.

Submissions 1 to 8 of 14:

ClinGen ACADVL Variant Curation Expert Panel, ClinGen
Classification: Likely pathogenic for Very long chain acyl-CoA dehydrogenase deficiency. Last evaluated: 2022-12-14. Review status: reviewed by expert panel. Criteria: clingen acadvl acmg specifications v1. Collection method: curation. Allele origin: germline. Inheritance: Autosomal recessive inheritance.
Comment: The c.553G>A variant in ACADVL is a missense variant predicted to cause substitution of glycine by serine at amino acid 185 (p.Gly185Ser). This variant has been detected in at least 4 individuals with very long chain acyl CoA dehydrogenase (VLCAD) deficiency. Of those individuals, two were compound heterozygous for the variant and distinct pathogenic variants (PM3, PMIDs: 31620161, 17999356). Two patients with this variant displayed beta Oxidation Flux <20% of normal and at least one individual showed increased acylcarnitines, which is highly specific for very long chain acyl CoA dehydrogenase (VLCAD) deficiency (PP4_moderate, PMIDs: 17999356, 31620161, 22841441). The highest population minor allele frequency in gnomAD v2.1.1 is 0.00005 in East Asian population, which is lower than the ClinGen ACADVL Variant Curation Expert Panel threshold (<0.001) for PM2_Supporting, meeting this criterion (PM2_Supporting). The computational predictor REVEL gives a score of 0.971, which is above the threshold of 0.75, evidence that correlates with impact to ACADVL function (PP3). In summary, this variant meets the criteria to be classified as likely pathogenic for autosomal recessive VLCAD deficiency based on the ACMG/AMP criteria applied, as specified by the ClinGen ACADVL Variant Curation Expert Panel: PM3, PP4_moderate, PM2_Supporting, PP3 (ACADVL VCEP specifications version 1; approved November 8, 2021).

Labcorp Genetics (formerly Invitae), Labcorp
Classification: Pathogenic for Very long chain acyl-CoA dehydrogenase deficiency. Last evaluated: 2025-12-17. Review status: criteria provided, single submitter. Criteria: Invitae Variant Classification Sherloc (09022015). Collection method: clinical testing. Allele origin: germline. Not counted in ClinVar's aggregate classification.
Comment: This sequence change replaces glycine, which is neutral and non-polar, with serine, which is neutral and polar, at codon 185 of the ACADVL protein (p.Gly185Ser). This variant is present in population databases (rs545215807, gnomAD 0.006%). This missense change has been observed in individual(s) with diminished VLCAD protein expression and enzyme activity (PMID: 17999356, 20060901). ClinVar contains an entry for this variant (Variation ID: 203595). Invitae Evidence Modeling of protein sequence and biophysical properties (such as structural, functional, and spatial information, amino acid conservation, physicochemical variation, residue mobility, and thermodynamic stability) indicates that this missense variant is expected to disrupt ACADVL protein function with a positive predictive value of 80%. For these reasons, this variant has been classified as Pathogenic.

PreventionGenetics, part of Exact Sciences
Classification: Likely pathogenic for ACADVL-related condition. Last evaluated: 2025-06-30. Review status: criteria provided, single submitter. Criteria: ACMG Guidelines, 2015. Collection method: clinical testing. Allele origin: germline. Not counted in ClinVar's aggregate classification.
Comment: The ACADVL c.553G>A variant is predicted to result in the amino acid substitution p.Gly185Ser. This variant has been reported, along with a second ACADVL variant, in patients with very long chain acyl-CoA dehydrogenase deficiency (VLCADD) ranging from the severe neonatal onset form to later onset exercise-induced rhabdomyolysis (Gobin-Limballe et al. 2007. PubMed ID: 17999356; Yamaguchi et al. 2012. PubMed ID: 22841441; Musumeci et al. 2020. PubMed ID: 32655480). It was also reported in the heterozygous state without a second ACADVL variant in a patient with 29% residual enzyme activity (Hoffmann et al. 2012. PubMed ID: 21932095, described as p.G145S). In fibroblasts from patients carrying the p.Gly185Ser substitution along with a second ACADVL variant, enzyme activity and protein levels were greatly reduced (Gobin-Limballe et al. 2007. PubMed ID: 17999356; Gobin-Limballe et al. 2010. PubMed ID: 20060901). Based on structure mapping, the p.Gly185 amino acid is predicted to lie in a very hydrophobic pocket lining the enzyme acyl-CoA binding cavity, and it has been noted that substitution of glycine with a polar serine residue in this location could affect substrate binding (Gobin-Limballe et al. 2010. PubMed ID: 20060901). This variant has been interpreted as likely pathogenic by the ClinGen ACADVL Variant Curation Expert Panel. Taken together, we interpret the c.553G>A (p.Gly185Ser) variant as likely pathogenic for autosomal recessive VLCADD.

Natera, Inc.
Classification: Likely pathogenic for Very long chain acyl-CoA dehydrogenase deficiency. Last evaluated: 2025-06-26. Review status: criteria provided, single submitter. Criteria: Natera Variant Classification Schema (03/2026). Collection method: clinical testing. Allele origin: germline. Not counted in ClinVar's aggregate classification.
Comment: The c.553G>A variant in ACADVL is a missense variant predicted to cause substitution of glycine to serine at amino acid 185. This variant is rare in the general population with a frequency below the threshold expected for the associated phenotype(s). This variant has been observed in one or more individuals affected with the associated recessive disease, as either homozygous or compound heterozygous with a second variant (PMID: 39188284, 31620161, 35400565, 32655480, 17999356). Computational prediction algorithms indicate this variant is likely to affect gene or protein function. Given the available evidence, this variant is classified as Likely Pathogenic.

ARUP Laboratories, Molecular Genetics and Genomics, ARUP Laboratories
Classification: Likely pathogenic for Very long chain acyl-CoA dehydrogenase deficiency. Last evaluated: 2025-05-29. Review status: criteria provided, single submitter. Criteria: ARUP Molecular Germline Variant Investigation Process 2024. Collection method: clinical testing. Allele origin: germline. Not counted in ClinVar's aggregate classification.
Comment: The ACADVL c.553G>A; p.Gly185Ser variant (rs545215807, ClinVar Variation ID: 203595), also known as Gly145Ser, has been reported in multiple individuals with very-long-chain acyl-CoA dehydrogenase (VLCAD) deficiency (Andresen 1999, Gobin-Limballe 2007, Yamaguchi 2012). Multiple affected individuals with this variant were also found to carry a second pathogenic variant (Gobin-Limballe 2007, Yamaguchi 2012). This variant is found in the general population with an overall allele frequency of 0.0012% (3/251456 alleles) in the Genome Aggregation Database (v2.1.1). Computational analyses predict that this variant is deleterious (REVEL: 0.971). Functional characterization of patient fibroblasts carrying this variant indicates a substantial decrease in VLCAD protein levels (Andresen 1999, Gobin-Limballe 2010) and enzymatic activity compared to wildtype (Gobin-Limballe 2007, Hoffman 2012). Based on available information, the p.Gly185Ser variant is considered to be likely pathogenic. References: Andresen B et al. Clear correlation of genotype with disease phenotype in very-long-chain acyl-CoA dehydrogenase deficiency. Am J Hum Genet. 1999; 64(2):479-94. PMID: 9973285. Gobin-Limballe S et al. Genetic basis for correction of very-long-chain acyl-coenzyme A dehydrogenase deficiency by bezafibrate in patient fibroblasts: toward a genotype-based therapy. Am J Hum Genet. 2007; 81(6):1133-43. PMID: 17999356. Gobin-Limballe S et al. Compared effects of missense mutations in Very-Long-Chain Acyl-CoA Dehydrogenase deficiency: Combined analysis by structural, functional and pharmacological approaches. Biochim Biophys Acta. 2010; 1802(5):478-84. PMID: 20060901. Hoffman L et al. VLCAD enzyme activity determinations in newborns identified by screening: a valuable tool for risk assessment. J Inherit Metab Dis. 2012; 35(2):269-77. PMID: 21932095. Musumeci O et al. A Family With a Complex Phenotype Caused by Two Different Rare Metabolic Disorders: GLUT1 and Very-Long-Chain Fatty Acid Dehydrogenase (VLCAD) Deficiencies. Front Neurol. 2020 Jun 23;11:514. PMID: 32655480. Yamaguchi S et al. Bezafibrate can be a new treatment option for mitochondrial fatty acid oxidation disorders: evaluation by in vitro probe acylcarnitine assay. Mol Genet Metab. 2012; 107(1-2):87-91. PMID: 22841441.

GeneDx
Classification: Pathogenic. Last evaluated: 2024-12-03. Review status: criteria provided, single submitter. Criteria: GeneDx Variant Classification Process June 2021. Collection method: clinical testing. Allele origin: germline. Affected: yes. Not counted in ClinVar's aggregate classification.
Comment: Not observed at significant frequency in large population cohorts (gnomAD); In silico analysis supports that this missense variant has a deleterious effect on protein structure/function; Also known as p.(G145S); This variant is associated with the following publications: (PMID: 31589614, 21932095, 20060901, 9973285, 32655480, 32447334, 32778825, 17999356, 37308883, 18977676, 30925787, 31620161, 39375714, 22841441, 31844625, 29618732, 35400565, 39188284)

Baylor Genetics
Classification: Pathogenic for Very long chain acyl-CoA dehydrogenase deficiency. Last evaluated: 2024-03-08. Review status: criteria provided, single submitter. Criteria: ACMG Guidelines, 2015. Collection method: clinical testing. Allele origin: unknown. Not counted in ClinVar's aggregate classification.

Mayo Clinic Laboratories, Mayo Clinic
Classification: Likely pathogenic. Last evaluated: 2023-08-09. Review status: criteria provided, single submitter. Criteria: ACMG Guidelines, 2015. Collection method: clinical testing. Allele origin: germline. Observed: 1 variant allele. Not counted in ClinVar's aggregate classification.
Comment: PP3, PP4_moderate, PM2, PM3